The following is an entry in ClinVar:

ClinVar aggregate classification (germline): Uncertain significance. Review status: criteria provided, multiple submitters, no conflicts (2 of 4 stars). 2 submissions from 2 submitters: Uncertain significance (2). Last evaluated 2022-02-15.

Conditions:
Muscular dystrophy-dystroglycanopathy type B6 (MDDGB6). Also called: MUSCULAR DYSTROPHY-DYSTROGLYCANOPATHY (CONGENITAL WITH IMPAIRED INTELLECTUAL DEVELOPMENT), TYPE B, 6; MUSCULAR DYSTROPHY, CONGENITAL, LARGE-RELATED; MUSCULAR DYSTROPHY, CONGENITAL, TYPE 1D. Identifiers: MedGen C1837229, MONDO:0012138, OMIM 608840.

Allele frequency attached by ClinVar (database versions not stated): gnomAD exomes below 0.00001; TOPMed below 0.00001.
gnomAD v4.1: 2 of 1,614,006 alleles (0.00012%); highest among the groups gnomAD compares: Non-Finnish European, 0.00017%; no homozygotes.

Submissions (2):

Labcorp Genetics (formerly Invitae), Labcorp
Classification: Uncertain significance for Muscular dystrophy-dystroglycanopathy type B6. Last evaluated: 2022-02-15. Review status: criteria provided, single submitter. Criteria: Invitae Variant Classification Sherloc (09022015). Collection method: clinical testing. Allele origin: germline.
Comment: This sequence change replaces glutamic acid, which is acidic and polar, with aspartic acid, which is acidic and polar, at codon 207 of the LARGE1 protein (p.Glu207Asp). This variant is not present in population databases (gnomAD no frequency). This variant has not been reported in the literature in individuals affected with LARGE1-related conditions. Algorithms developed to predict the effect of missense changes on protein structure and function (SIFT, PolyPhen-2, Align-GVGD) all suggest that this variant is likely to be tolerated. In summary, the available evidence is currently insufficient to determine the role of this variant in disease. Therefore, it has been classified as a Variant of Uncertain Significance.

Blueprint Genetics
Classification: Uncertain significance. Last evaluated: 2018-11-05. Review status: criteria provided, single submitter. Criteria: ACMG Guidelines, 2015. Collection method: clinical testing. Allele origin: germline.

NM_133642.5(LARGE1):c.621A>C (p.Glu207Asp)

Gene: LARGE1 (LARGE xylosyl- and glucuronyltransferase 1; minus strand). Cytogenetic location: 22q12.3.
Variant type: single nucleotide variant.
Coding change: c.621A>C on transcript NM_133642.5 (MANE Select); coding-DNA position 621, A replaced by C.
Protein change: p.Glu207Asp; replaces glutamic acid 207 with aspartic acid.
Molecular consequence: missense variant.
Genome position (GRCh38, 1-based): chr22:33,565,014, T>G on the plus strand (A>C on the coding strand, the complement: LARGE1 is on the minus strand). VCF-style: chr22-33565014-T-G. GRCh37 (hg19) VCF-style: chr22-33961000-T-G.
Other names: c.621A>C, p.Glu207Asp (NM_001362949.2, NM_001362951.2, NM_001362953.2 and 7 more transcripts); c.18A>C, p.Glu6Asp (NM_001378630.1, NM_001378631.1); short protein forms E207D, E6D.
Identifiers: ClinVar variation 1421335 (VCV001421335.4), dbSNP rs926834717, ClinGen allele CA323744751.